The following is an entry in ClinVar:

ClinVar aggregate classification (germline): Uncertain significance (1 of 4 stars; one submission).

Allele frequency attached by ClinVar (database versions not stated): gnomAD exomes below 0.00001; TOPMed below 0.00001; gnomAD 0.00001.
gnomAD v4.1: 7 of 1,601,276 alleles (0.00044%); highest among the groups gnomAD compares: Non-Finnish European, 0.0006%; no homozygotes.

Submission:

Labcorp Genetics (formerly Invitae), Labcorp
Classification: Uncertain significance. Last evaluated: 2022-07-17. Review status: criteria provided, single submitter. Criteria: Invitae Variant Classification Sherloc (09022015). Collection method: clinical testing. Allele origin: germline.
Comment: In summary, the available evidence is currently insufficient to determine the role of this variant in disease. Therefore, it has been classified as a Variant of Uncertain Significance. Algorithms developed to predict the effect of missense changes on protein structure and function (SIFT, PolyPhen-2, Align-GVGD) all suggest that this variant is likely to be tolerated. ClinVar contains an entry for this variant (Variation ID: 1381572). This variant has not been reported in the literature in individuals affected with ASAH1-related conditions. This variant is not present in population databases (gnomAD no frequency). This sequence change replaces glutamic acid, which is acidic and polar, with aspartic acid, which is acidic and polar, at codon 114 of the ASAH1 protein (p.Glu114Asp).

NM_177924.5(ASAH1):c.342G>C (p.Glu114Asp)

Gene: ASAH1 (N-acylsphingosine amidohydrolase 1; minus strand). Cytogenetic location: 8p22.
Variant type: single nucleotide variant.
Coding change: c.342G>C on transcript NM_177924.5 (MANE Select); coding-DNA position 342, G replaced by C.
Protein change: p.Glu114Asp; replaces glutamic acid 114 with aspartic acid.
Molecular consequence: missense variant.
Genome position (GRCh38, 1-based): chr8:18,067,260, C>G on the plus strand (G>C on the coding strand, the complement: ASAH1 is on the minus strand). VCF-style: chr8-18067260-C-G. GRCh37 (hg19) VCF-style: chr8-17924769-C-G.
Other names: c.324G>C, p.Glu108Asp (NM_001127505.3); c.147G>C, p.Glu49Asp (NM_001363743.2); c.390G>C, p.Glu130Asp (NM_004315.6); short protein forms E108D, E114D, E49D, E130D.
Identifiers: ClinVar variation 1381572 (VCV001381572.6), dbSNP rs1265325793, ClinGen allele CA370432782.